The following is an entry in ClinVar:

ClinVar aggregate classification (germline): Uncertain significance (1 of 4 stars; one submission).

Submission:

Labcorp Genetics (formerly Invitae), Labcorp
Classification: Uncertain significance. Last evaluated: 2019-10-09. Review status: criteria provided, single submitter. Criteria: Invitae Variant Classification Sherloc (09022015). Collection method: clinical testing. Allele origin: germline.
Comment: This variant has not been reported in the literature in individuals with SLC25A12-related conditions. In summary, the available evidence is currently insufficient to determine the role of this variant in disease. Therefore, it has been classified as a Variant of Uncertain Significance. Experimental studies and prediction algorithms are not available or were not evaluated, and the functional significance of this variant is currently unknown. This variant is not present in population databases (ExAC no frequency). This variant, c.602_607del, results in the deletion of 2 and insertion of 1 amino acid in the SLC25A12 protein (p.Asn201_Val203delinsIle), but otherwise preserves the integrity of the reading frame.

NM_003705.5(SLC25A12):c.602_607del (p.Asn201_Val203delinsIle)

Gene: SLC25A12 (solute carrier family 25 member 12; minus strand). Cytogenetic location: 2q31.1.
Variant type: Deletion.
Coding change: c.602_607del on transcript NM_003705.5 (MANE Select); coding-DNA positions 602 to 607, 6 bases deleted (ACTTAG; older notation c.602_607delACTTAG).
Protein change: p.Asn201_Val203delinsIle.
Molecular consequence: inframe indel. On other transcripts: non-coding transcript variant (1).
Genome position (GRCh38, 1-based): chr2:171,837,126-171,837,131, CTAAGT deleted on the plus strand (ACTTAG on the coding strand, the reverse complement: SLC25A12 is on the minus strand). VCF-style (leftmost placement, unchanged base first): chr2-171837125-ACTAAGT-A. GRCh37 (hg19) VCF-style: chr2-172693635-ACTAAGT-A.
Identifiers: ClinVar variation 956610 (VCV000956610.9), dbSNP rs1684577522, ClinGen allele CA1139657346.